The following is an entry in ClinVar:

ClinVar aggregate classification (germline): Conflicting classifications of pathogenicity. Review status: criteria provided, conflicting classifications (1 of 4 stars). 4 submissions from 4 submitters: Uncertain significance (3); Likely benign (1). Last evaluated 2024-12-23.

Conditions:
Inborn genetic diseases. Identifiers: MedGen C0950123, MeSH D030342.

Allele frequency attached by ClinVar (database versions not stated): gnomAD exomes 0.00011 and 0.00016; ExAC 0.00014; 1000 Genomes Project 30x 0.00016; 1000 Genomes Project 0.00020; ESP Exome Variant Server 0.00023; TOPMed 0.00061.
gnomAD v4.1: 217 of 1,614,208 alleles (0.013%); highest among the groups gnomAD compares: Middle Eastern, 0.26%; 2 homozygotes.

Submissions (4):

Ambry Genetics
Classification: Likely benign for Inborn genetic diseases. Last evaluated: 2024-12-23. Review status: criteria provided, single submitter. Criteria: Ambry Variant Classification Scheme 2023. Collection method: clinical testing. Allele origin: germline.

Blueprint Genetics
Classification: Uncertain significance. Last evaluated: 2024-09-18. Review status: criteria provided, single submitter. Criteria: ACMG Guidelines, 2015. Collection method: clinical testing. Allele origin: germline.

Labcorp Genetics (formerly Invitae), Labcorp
Classification: Uncertain significance. Last evaluated: 2022-10-26. Review status: criteria provided, single submitter. Criteria: Invitae Variant Classification Sherloc (09022015). Collection method: clinical testing. Allele origin: germline.
Comment: This sequence change replaces arginine, which is basic and polar, with cysteine, which is neutral and slightly polar, at codon 271 of the NANS protein (p.Arg271Cys). This variant is present in population databases (rs145067627, gnomAD 0.1%). This variant has not been reported in the literature in individuals affected with NANS-related conditions. ClinVar contains an entry for this variant (Variation ID: 1381914). Algorithms developed to predict the effect of missense changes on protein structure and function (SIFT, PolyPhen-2, Align-GVGD) all suggest that this variant is likely to be disruptive. In summary, the available evidence is currently insufficient to determine the role of this variant in disease. Therefore, it has been classified as a Variant of Uncertain Significance.

Breakthrough Genomics
Classification: Uncertain significance. Review status: criteria provided, single submitter. Criteria: ACMG Guidelines, 2015. Collection method: not provided. Allele origin: germline. Inheritance: Autosomal recessive inheritance. Affected: yes.

Literature cited by the submitters: PubMed 36413997 (cited by Ambry Genetics).

NM_018946.4(NANS):c.811C>T (p.Arg271Cys)

Genes: NANS (N-acetylneuraminate synthase; plus strand), TRIM14 (tripartite motif containing 14; minus strand). Cytogenetic location: 9q22.33.
Variant type: single nucleotide variant.
Coding change: c.811C>T on transcript NM_018946.4 (MANE Select); coding-DNA position 811, C replaced by T.
Protein change: p.Arg271Cys; replaces arginine 271 with cysteine.
Molecular consequence: missense variant.
Genome position (GRCh38, 1-based): chr9:98,081,023, C>T. VCF-style: chr9-98081023-C-T. GRCh37 (hg19) VCF-style: chr9-100843305-C-T.
Other names: c.811C>T (NM_018946.3); short protein forms R271C.
Identifiers: ClinVar variation 1381914 (VCV001381914.7), dbSNP rs145067627, ClinGen allele CA5150393.